The following is an entry in ClinVar:

ClinVar aggregate classification (germline): Uncertain significance (1 of 4 stars; one submission).

Conditions:
Immunodeficiency 67. Also called: Immunodeficiency due to interleukin-1 receptor-associated kinase-4 deficiency. Identifiers: Orphanet 70592, MedGen C1843256, MONDO:0011888, OMIM 607676.

Submission:

Labcorp Genetics (formerly Invitae), Labcorp
Classification: Uncertain significance for Immunodeficiency 67. Last evaluated: 2022-04-09. Review status: criteria provided, single submitter. Criteria: Invitae Variant Classification Sherloc (09022015). Collection method: clinical testing. Allele origin: germline.
Comment: In summary, the available evidence is currently insufficient to determine the role of this variant in disease. Therefore, it has been classified as a Variant of Uncertain Significance. Algorithms developed to predict the effect of missense changes on protein structure and function output the following: SIFT: "Tolerated"; PolyPhen-2: "Benign"; Align-GVGD: "Class C0". The glutamine amino acid residue is found in multiple mammalian species, which suggests that this missense change does not adversely affect protein function. This variant has not been reported in the literature in individuals affected with IRAK4-related conditions. This variant is not present in population databases (gnomAD no frequency). This sequence change replaces glutamic acid, which is acidic and polar, with glutamine, which is neutral and polar, at codon 247 of the IRAK4 protein (p.Glu247Gln).

NM_016123.4(IRAK4):c.739G>C (p.Glu247Gln)

Gene: IRAK4 (interleukin 1 receptor associated kinase 4; plus strand). Cytogenetic location: 12q12.
Variant type: single nucleotide variant.
Coding change: c.739G>C on transcript NM_016123.4 (MANE Select); coding-DNA position 739, G replaced by C.
Protein change: p.Glu247Gln; replaces glutamic acid 247 with glutamine.
Molecular consequence: missense variant.
Genome position (GRCh38, 1-based): chr12:43,777,652, G>C. VCF-style: chr12-43777652-G-C. GRCh37 (hg19) VCF-style: chr12-44171455-G-C.
Other names: c.739G>C, p.Glu247Gln (NM_001114182.3, NM_001351345.2); c.367G>C, p.Glu123Gln (NM_001145256.2, NM_001145257.2, NM_001145258.2 and 5 more transcripts); c.130G>C, p.Glu44Gln (NM_001351343.2, NM_001351344.2); short protein forms E247Q, E123Q, E44Q.
Identifiers: ClinVar variation 2123841 (VCV002123841.4), dbSNP rs2540458641, ClinGen allele CA384474218.